The following is an entry in ClinVar:

NM_153365.3(TAPT1):c.269A>G (p.Lys90Arg)

Gene: TAPT1 (transmembrane anterior posterior transformation 1; minus strand). Cytogenetic location: 4p15.32.
Variant type: single nucleotide variant.
Coding change: c.269A>G on transcript NM_153365.3 (MANE Select); coding-DNA position 269, A replaced by G.
Protein change: p.Lys90Arg; replaces lysine 90 with arginine.
Molecular consequence: missense variant.
Genome position (GRCh38, 1-based): chr4:16,213,829, T>C on the plus strand (A>G on the coding strand, the complement: TAPT1 is on the minus strand). VCF-style: chr4-16213829-T-C. GRCh37 (hg19) VCF-style: chr4-16215452-T-C.
Other names: c.269A>G (NM_153365.2); short protein forms K90R.
Identifiers: ClinVar variation 2188135 (VCV002188135.2), dbSNP rs756174108, ClinGen allele CA2867559.

ClinVar aggregate classification (germline): Uncertain significance. Review status: criteria provided, multiple submitters, no conflicts (2 of 4 stars). 2 submissions from 2 submitters: Uncertain significance (2). Last evaluated 2022-03-21.

Conditions:
Inborn genetic diseases. Identifiers: MedGen C0950123, MeSH D030342.

Allele frequency attached by ClinVar (database versions not stated): TOPMed 0.00002; ExAC 0.00003; gnomAD 0.00004.
gnomAD v4.1: 26 of 1,609,414 alleles (0.0016%); highest among the groups gnomAD compares: Non-Finnish European, 0.0019%; no homozygotes.

Submissions (2):

Labcorp Genetics (formerly Invitae), Labcorp
Classification: Uncertain significance. Last evaluated: 2022-03-21. Review status: criteria provided, single submitter. Criteria: Invitae Variant Classification Sherloc (09022015). Collection method: clinical testing. Allele origin: germline.
Comment: This sequence change replaces lysine, which is basic and polar, with arginine, which is basic and polar, at codon 90 of the TAPT1 protein (p.Lys90Arg). This variant is present in population databases (rs756174108, gnomAD 0.004%). This variant has not been reported in the literature in individuals affected with TAPT1-related conditions. Algorithms developed to predict the effect of missense changes on protein structure and function (SIFT, PolyPhen-2, Align-GVGD) all suggest that this variant is likely to be tolerated. In summary, the available evidence is currently insufficient to determine the role of this variant in disease. Therefore, it has been classified as a Variant of Uncertain Significance.

Ambry Genetics
Classification: Uncertain significance for Inborn genetic diseases. Last evaluated: 2021-11-15. Review status: criteria provided, single submitter. Criteria: Ambry Variant Classification Scheme 2023. Collection method: clinical testing. Allele origin: germline.